The following is an entry in ClinVar:

ClinVar aggregate classification (germline): Pathogenic (1 of 4 stars; one submission).

Conditions:
Gorlin syndrome. Also called: Basal cell nevus syndrome; Nevoid Basal Cell Carcinoma Syndrome. Identifiers: Orphanet 377, MedGen C0004779, MONDO:0007187.

Submission:

Labcorp Genetics (formerly Invitae), Labcorp
Classification: Pathogenic for Gorlin syndrome. Last evaluated: 2020-05-04. Review status: criteria provided, single submitter. Criteria: Invitae Variant Classification Sherloc (09022015). Collection method: clinical testing. Allele origin: germline.
Comment: This sequence change creates a premature translational stop signal (p.Gly99Alafs*18) in the PTCH1 gene. It is expected to result in an absent or disrupted protein product. This variant is not present in population databases (ExAC no frequency). This variant has not been reported in the literature in individuals with PTCH1-related disease. Loss-of-function variants in PTCH1 are known to be pathogenic (PMID: 16301862, 16419085). For these reasons, this variant has been classified as Pathogenic.

Literature cited by the submitters: PubMed 16301862; PubMed 16419085.

NM_000264.5(PTCH1):c.296del (p.Gly99fs)

Gene: PTCH1 (patched 1; minus strand). Cytogenetic location: 9q22.32.
Variant type: Deletion.
Coding change: c.296del on transcript NM_000264.5 (MANE Select); coding-DNA position 296, one base deleted (G; older notation c.296delG).
Protein change: p.Gly99fs; shifts the reading frame from glycine 99.
Molecular consequence: frameshift variant. On other transcripts: 5 prime UTR variant (4), non-coding transcript variant (1).
Genome position (GRCh38, 1-based): chr9:95,506,505, C deleted on the plus strand (G on the coding strand, the reverse complement: PTCH1 is on the minus strand); the first of 2 consecutive C bases (chr9:95,506,505-95,506,506); deleting either gives the same sequence. VCF-style (leftmost placement, unchanged base first): chr9-95506504-GC-G. GRCh37 (hg19) VCF-style: chr9-98268786-GC-G.
Other names: c.98del, p.Gly33fs (NM_001083602.3, NM_001354919.2); c.293del, p.Gly98fs (NM_001083603.3); c.-158del (NM_001083604.3, NM_001083605.3, NM_001083606.3 and 1 more transcripts); c.296del, p.Gly99fs (NM_001354918.2); short protein forms G33fs, G98fs, G99fs.
Identifiers: ClinVar variation 577984 (VCV000577984.7), dbSNP rs1564088181, ClinGen allele CA891843253.